The following is an entry in ClinVar:

NC_000001.10:g.(?_115215735)_(115258781_?)dup

Genes: AMPD1 (adenosine monophosphate deaminase 1; minus strand), NRAS (NRAS proto-oncogene, GTPase; minus strand). Cytogenetic location: 1p13.2.
Variant type: Duplication.
Identifiers: ClinVar variation 3247867 (VCV003247867.1).

ClinVar aggregate classification (germline): Uncertain significance (1 of 4 stars; one submission).

Conditions:
RASopathy. Also called: Noonan spectrum disorder; rasopathies. Identifiers: Orphanet 536391, MedGen C5555857, MONDO:0021060.

Submission:

Labcorp Genetics (formerly Invitae), Labcorp
Classification: Uncertain significance for RASopathy. Last evaluated: 2023-09-04. Review status: criteria provided, single submitter. Criteria: Invitae Variant Classification Sherloc (09022015). Collection method: clinical testing. Allele origin: unknown.
Comment: A copy number gain of the genomic region encompassing the full coding sequence of the NRAS gene has been identified. The boundaries of this event are unknown as they extend beyond the assayed region for this gene and therefore may encompass additional genes. As the precise location of this event is unknown, it may be in tandem or it may be located elsewhere in the genome. This variant has not been reported in the literature in individuals affected with NRAS-related conditions. Experimental studies and prediction algorithms are not available or were not evaluated, and the functional significance of this variant is currently unknown. In summary, the available evidence is currently insufficient to determine the role of this variant in disease. Therefore, it has been classified as a Variant of Uncertain Significance.